The following is an entry in ClinVar:

ClinVar aggregate classification (germline): Likely pathogenic (1 of 4 stars; one submission).

Conditions:
Dilated cardiomyopathy 1G (CMD1G). Identifiers: Orphanet 154, MedGen C1858763, MONDO:0011400, OMIM 604145.
Autosomal recessive limb-girdle muscular dystrophy type 2J (LGMDR10). Also called: MUSCULAR DYSTROPHY, LIMB-GIRDLE, AUTOSOMAL RECESSIVE 10; Limb-girdle muscular dystrophy, type 2J. Identifiers: Orphanet 140922, MedGen C1837342, MONDO:0012127, OMIM 608807.

Submission:

Labcorp Genetics (formerly Invitae), Labcorp
Classification: Likely pathogenic for Dilated cardiomyopathy 1G; Autosomal recessive limb-girdle muscular dystrophy type 2J. Last evaluated: 2022-06-13. Review status: criteria provided, single submitter. Criteria: Invitae Variant Classification Sherloc (09022015). Collection method: clinical testing. Allele origin: germline.
Comment: In summary, the currently available evidence indicates that the variant is pathogenic, but additional data are needed to prove that conclusively. Therefore, this variant has been classified as Likely Pathogenic. This variant is located in the A band of TTN (PMID: 25589632). Truncating variants in this region are significantly overrepresented in patients affected with dilated cardiomyopathy (PMID: 25589632). Truncating variants in this region have also been reported in individuals affected with autosomal recessive centronuclear myopathy (PMID: 23975875). This premature translational stop signal has been observed in individual(s) with dilated cardiomyopathy (Invitae). This variant is not present in population databases (gnomAD no frequency). This sequence change creates a premature translational stop signal (p.Asp27283Serfs*66) in the TTN gene. While this is not anticipated to result in nonsense mediated decay, it is expected to create a truncated TTN protein.

Literature cited by the submitters: PubMed 25589632; PubMed 23975875.

NM_001267550.2(TTN):c.81847_81850del (p.Asp27283fs)

Genes: TTN (titin; minus strand), TTN-AS1 (TTN antisense RNA 1; plus strand). Cytogenetic location: 2q31.2.
Variant type: Deletion.
Coding change: c.81847_81850del on transcript NM_001267550.2 (MANE Select); coding-DNA positions 81847 to 81850, 4 bases deleted (GATG; older notation c.81847_81850delGATG).
Protein change: p.Asp27283fs; shifts the reading frame from aspartic acid 27283.
Molecular consequence: frameshift variant.
Genome position (GRCh38, 1-based): chr2:178,564,282-178,564,285, CATC deleted on the plus strand (GATG on the coding strand, the reverse complement: TTN is on the minus strand). VCF-style (leftmost placement, unchanged base first): chr2-178564281-ACATC-A. GRCh37 (hg19) VCF-style: chr2-179429008-ACATC-A.
Other names: c.76924_76927del, p.Asp25642fs (NM_001256850.1); c.54652_54655del, p.Asp18218fs (NM_003319.4); c.74143_74146del, p.Asp24715fs (NM_133378.4); c.55027_55030del, p.Asp18343fs (NM_133432.3); c.55228_55231del, p.Asp18410fs (NM_133437.4); short protein forms D18218fs, D18410fs, D18343fs, D27283fs, D24715fs, D25642fs.
Identifiers: ClinVar variation 2005498 (VCV002005498.4), dbSNP rs2468200512, ClinGen allele CA2580064769.